The following is an entry in ClinVar:

ClinVar aggregate classification (germline): Uncertain significance (1 of 4 stars; one submission).

Submission:

Labcorp Genetics (formerly Invitae), Labcorp
Classification: Uncertain significance. Last evaluated: 2025-07-14. Review status: criteria provided, single submitter. Criteria: Invitae Variant Classification Sherloc (09022015). Collection method: clinical testing. Allele origin: germline.
Comment: This sequence change replaces valine, which is neutral and non-polar, with isoleucine, which is neutral and non-polar, at codon 33 of the KLHL7 protein (p.Val33Ile). The frequency data for this variant in the population databases is considered unreliable, as metrics indicate poor data quality at this position in the gnomAD database. This variant has not been reported in the literature in individuals affected with KLHL7-related conditions. ClinVar contains an entry for this variant (Variation ID: 1992532). An algorithm developed to predict the effect of missense changes on protein structure and function (PolyPhen-2) suggests that this variant is likely to be tolerated. In summary, the available evidence is currently insufficient to determine the role of this variant in disease. Therefore, it has been classified as a Variant of Uncertain Significance.

NM_001031710.3(KLHL7):c.97G>A (p.Val33Ile)

Gene: KLHL7 (kelch like family member 7; plus strand). Cytogenetic location: 7p15.3.
Variant type: single nucleotide variant.
Coding change: c.97G>A on transcript NM_001031710.3 (MANE Select); coding-DNA position 97, G replaced by A.
Protein change: p.Val33Ile; replaces valine 33 with isoleucine.
Molecular consequence: missense variant. On other transcripts: non-coding transcript variant (2).
Genome position (GRCh38, 1-based): chr7:23,106,123, G>A. VCF-style: chr7-23106123-G-A. GRCh37 (hg19) VCF-style: chr7-23145742-G-A.
Other names: c.97G>A, p.Val33Ile (NM_001172428.2); short protein forms V33I.
Identifiers: ClinVar variation 1992532 (VCV001992532.4), dbSNP rs769326241, ClinGen allele CA4186224.